The following is an entry in ClinVar:

ClinVar aggregate classification (germline): Uncertain significance (1 of 4 stars; one submission).

Allele frequency attached by ClinVar (database versions not stated): gnomAD exomes 0.00001 and 0.00004; ExAC 0.00006; 1000 Genomes Project 30x 0.00016; 1000 Genomes Project 0.00020.
gnomAD v4.1: 13 of 1,612,648 alleles (0.00081%); highest among the groups gnomAD compares: East Asian, 0.029%; no homozygotes.

Submission:

Labcorp Genetics (formerly Invitae), Labcorp
Classification: Uncertain significance. Last evaluated: 2022-09-19. Review status: criteria provided, single submitter. Criteria: Invitae Variant Classification Sherloc (09022015). Collection method: clinical testing. Allele origin: germline.
Comment: This sequence change replaces alanine, which is neutral and non-polar, with threonine, which is neutral and polar, at codon 669 of the LCT protein (p.Ala669Thr). This variant is present in population databases (rs530867247, gnomAD 0.05%). This variant has not been reported in the literature in individuals affected with LCT-related conditions. ClinVar contains an entry for this variant (Variation ID: 1425349). Algorithms developed to predict the effect of missense changes on protein structure and function output the following: SIFT: "Not Available"; PolyPhen-2: "Benign"; Align-GVGD: "Not Available". The threonine amino acid residue is found in multiple mammalian species, which suggests that this missense change does not adversely affect protein function. In summary, the available evidence is currently insufficient to determine the role of this variant in disease. Therefore, it has been classified as a Variant of Uncertain Significance.

NM_002299.4(LCT):c.2005G>A (p.Ala669Thr)

Gene: LCT (lactase; minus strand). Cytogenetic location: 2q21.3.
Variant type: single nucleotide variant.
Coding change: c.2005G>A on transcript NM_002299.4 (MANE Select); coding-DNA position 2005, G replaced by A.
Protein change: p.Ala669Thr; replaces alanine 669 with threonine.
Molecular consequence: missense variant.
Genome position (GRCh38, 1-based): chr2:135,812,659, C>T on the plus strand (G>A on the coding strand, the complement: LCT is on the minus strand). VCF-style: chr2-135812659-C-T. GRCh37 (hg19) VCF-style: chr2-136570229-C-T.
Other names: short protein forms A669T.
Identifiers: ClinVar variation 1425349 (VCV001425349.3), dbSNP rs530867247, ClinGen allele CA1888309.